The following is an entry in ClinVar:

NM_001372.4(DNAH9):c.11977G>A (p.Glu3993Lys)

Gene: DNAH9 (dynein axonemal heavy chain 9; plus strand). Cytogenetic location: 17p12.
Variant type: single nucleotide variant.
Coding change: c.11977G>A on transcript NM_001372.4 (MANE Select); coding-DNA position 11977, G replaced by A.
Protein change: p.Glu3993Lys; replaces glutamic acid 3993 with lysine.
Molecular consequence: missense variant.
Genome position (GRCh38, 1-based): chr17:11,929,965, G>A. VCF-style: chr17-11929965-G-A. GRCh37 (hg19) VCF-style: chr17-11833282-G-A.
Other names: p.Glu3993Lys; c.913G>A, p.Glu305Lys (NM_004662.2); short protein forms E305K, E3993K.
Identifiers: ClinVar variation 3380466 (VCV003380466.1).

ClinVar aggregate classification (germline): Uncertain significance (1 of 4 stars; one submission).

gnomAD v4.1: 10 of 1,614,048 alleles (0.00062%); highest among the groups gnomAD compares: Non-Finnish European, 0.00085%; no homozygotes.

Submission:

Mayo Clinic Laboratories, Mayo Clinic
Classification: Uncertain significance. Last evaluated: 2024-05-22. Review status: criteria provided, single submitter. Criteria: ACMG Guidelines, 2015. Collection method: clinical testing. Allele origin: germline. Observed: 1 variant allele.
Comment: PM2